The following is an entry in ClinVar:

NM_004364.5(CEBPA):c.85G>T (p.Ala29Ser)

Gene: CEBPA (CCAAT enhancer binding protein alpha; minus strand). Cytogenetic location: 19q13.11.
Variant type: single nucleotide variant.
Coding change: c.85G>T on transcript NM_004364.5 (MANE Select); coding-DNA position 85, G replaced by T.
Protein change: p.Ala29Ser; replaces alanine 29 with serine.
Molecular consequence: missense variant. On other transcripts: 5 prime UTR variant (1).
Genome position (GRCh38, 1-based): chr19:33,302,330, C>A on the plus strand (G>T on the coding strand, the complement: CEBPA is on the minus strand). VCF-style: chr19-33302330-C-A. GRCh37 (hg19) VCF-style: chr19-33793236-C-A.
Other names: c.-273G>T (NM_001285829.2); c.190G>T, p.Ala64Ser (NM_001287424.2); c.43G>T, p.Ala15Ser (NM_001287435.2); short protein forms A64S, A15S, A29S.
Identifiers: ClinVar variation 1449926 (VCV001449926.8), dbSNP rs2145264604, ClinGen allele CA405275707.

ClinVar aggregate classification (germline): Uncertain significance (1 of 4 stars; one submission).

Conditions:
Acute myeloid leukemia (AML). Also called: Leukemia, acute myeloid, somatic; Leukemia, acute myelogenous, somatic; Acute myeloid leukemia, adult; AML adult; Acute non-lymphocytic leukemia; Acute granulocytic leukemia. Identifiers: Orphanet 519, MedGen C0023467, MeSH D015470, MONDO:0018874, OMIM 601626, HP:0004808. Disease mechanism: Constitutively activated FLT3.

Submission:

Labcorp Genetics (formerly Invitae), Labcorp
Classification: Uncertain significance for Acute myeloid leukemia. Last evaluated: 2022-07-18. Review status: criteria provided, single submitter. Criteria: Invitae Variant Classification Sherloc (09022015). Collection method: clinical testing. Allele origin: germline.
Comment: Algorithms developed to predict the effect of missense changes on protein structure and function (SIFT, PolyPhen-2, Align-GVGD) all suggest that this variant is likely to be tolerated. ClinVar contains an entry for this variant (Variation ID: 1449926). This variant has not been reported in the literature in individuals affected with CEBPA-related conditions. This variant is not present in population databases (gnomAD no frequency). This sequence change replaces alanine, which is neutral and non-polar, with serine, which is neutral and polar, at codon 29 of the CEBPA protein (p.Ala29Ser). In summary, the available evidence is currently insufficient to determine the role of this variant in disease. Therefore, it has been classified as a Variant of Uncertain Significance.